The following is an entry in ClinVar:

NM_002206.3(ITGA7):c.746G>A (p.Arg249Gln)

Gene: ITGA7 (integrin subunit alpha 7; minus strand). Cytogenetic location: 12q13.2.
Variant type: single nucleotide variant.
Coding change: c.746G>A on transcript NM_002206.3 (MANE Select); coding-DNA position 746, G replaced by A.
Protein change: p.Arg249Gln; replaces arginine 249 with glutamine.
Molecular consequence: missense variant. On other transcripts: intron variant (7).
Genome position (GRCh38, 1-based): chr12:55,699,914, C>T on the plus strand (G>A on the coding strand, the complement: ITGA7 is on the minus strand). VCF-style: chr12-55699914-C-T. GRCh37 (hg19) VCF-style: chr12-56093698-C-T.
Other names: c.-503+985G>A (NM_001367994.1); c.670+985G>A (NM_001414032.1); c.802+348G>A (NM_001414030.1, NM_001414029.1, NM_001144996.2); c.746G>A, p.Arg249Gln (NM_001374465.1, NM_001414031.1, NM_001414034.1); c.878G>A, p.Arg293Gln (NM_001410977.1); c.563G>A, p.Arg188Gln (NM_001414033.1); c.407G>A, p.Arg136Gln (NM_001414035.1); c.511+348G>A (NM_001144997.2); and 1 more; short protein forms R249Q, R293Q, R136Q, R188Q.
Identifiers: ClinVar variation 1520975 (VCV001520975.4), dbSNP rs372043286, ClinGen allele CA6616189.

ClinVar aggregate classification (germline): Uncertain significance (1 of 4 stars; one submission).

Conditions:
Congenital muscular dystrophy due to integrin alpha-7 deficiency. Also called: Congenital muscular dystrophy with integrin alpha-7 deficiency; Muscular dystrophy, congenital, due to ITGA7 deficiency; MYOPATHY, CONGENITAL, DUE TO INTEGRIN ALPHA-7 DEFICIENCY. Identifiers: Orphanet 34520, MedGen C2750786, MONDO:0013177, OMIM 613204.

Allele frequency attached by ClinVar (database versions not stated): ExAC 0.00001; gnomAD exomes 0.00001; TOPMed 0.00002; gnomAD 0.00003 and 0.00005.
gnomAD v4.1: 17 of 1,613,346 alleles (0.0011%); highest among the groups gnomAD compares: Admixed American, 0.005%; no homozygotes.

Submission:

Labcorp Genetics (formerly Invitae), Labcorp
Classification: Uncertain significance for Congenital muscular dystrophy due to integrin alpha-7 deficiency. Last evaluated: 2022-07-19. Review status: criteria provided, single submitter. Criteria: Invitae Variant Classification Sherloc (09022015). Collection method: clinical testing. Allele origin: germline.
Comment: In summary, the available evidence is currently insufficient to determine the role of this variant in disease. Therefore, it has been classified as a Variant of Uncertain Significance. Algorithms developed to predict the effect of sequence changes on RNA splicing suggest that this variant may create or strengthen a splice site. Algorithms developed to predict the effect of missense changes on protein structure and function (SIFT, PolyPhen-2, Align-GVGD) all suggest that this variant is likely to be tolerated. ClinVar contains an entry for this variant (Variation ID: 1520975). This variant has not been reported in the literature in individuals affected with ITGA7-related conditions. This variant is present in population databases (rs372043286, gnomAD 0.003%). This sequence change replaces arginine, which is basic and polar, with glutamine, which is neutral and polar, at codon 249 of the ITGA7 protein (p.Arg249Gln).